The following is an entry in ClinVar:

ClinVar aggregate classification (germline): Pathogenic. Review status: criteria provided, multiple submitters, no conflicts (2 of 4 stars). 9 submissions from 9 submitters: Pathogenic (8). 1 of the submissions does not count toward it. Last evaluated 2025-08-13.

Conditions:
Cardiovascular phenotype. Identifiers: MedGen CN230736.
Cardiomyopathy (CMYO). Also called: Cardiomyopathies. Identifiers: Orphanet 167848, MedGen C0878544, MONDO:0004994, HP:0001638. Inheritance: Various modes of inheritance.
MYBPC3-related disorder. Also called: MYBPC3-related disorders; MYBPC3-related condition; MYBPC3-related disease.
Hypertrophic cardiomyopathy 4. Also called: Familial hypertrophic cardiomyopathy 4. Identifiers: MedGen C1861862, MONDO:0007268, OMIM 115197.
Hypertrophic cardiomyopathy. Also called: HYPERTROPHIC MYOCARDIOPATHY. Identifiers: Orphanet 217569, MedGen C0007194, MeSH D002312, MONDO:0005045, HP:0001639.
Mitochondrial disease. Also called: Mitochondrial disorders; Mitochondrial disorder. Identifiers: Orphanet 68380, MedGen C0751651, MeSH D028361, MONDO:0044970.

Submissions (9):

Labcorp Genetics (formerly Invitae), Labcorp
Classification: Pathogenic for Hypertrophic cardiomyopathy. Last evaluated: 2025-08-13. Review status: criteria provided, single submitter. Criteria: Invitae Variant Classification Sherloc (09022015). Collection method: clinical testing. Allele origin: germline.
Comment: This sequence change creates a premature translational stop signal (p.Pro453Cysfs*21) in the MYBPC3 gene. It is expected to result in an absent or disrupted protein product. Loss-of-function variants in MYBPC3 are known to be pathogenic (PMID: 19574547). This variant is present in population databases (rs727503203, gnomAD 0.007%). This premature translational stop signal has been observed in individual(s) with hypertrophic cardiomyopathy (HCM) (PMID: 12788380, 27532257). It has also been observed to segregate with disease in related individuals. ClinVar contains an entry for this variant (Variation ID: 164118). For these reasons, this variant has been classified as Pathogenic.

Blueprint Genetics
Classification: Pathogenic for MYBPC3-related disorders. Last evaluated: 2024-03-18. Review status: criteria provided, single submitter. Criteria: ACMG Guidelines, 2015. Collection method: clinical testing. Allele origin: germline. Affected: yes. Observed: 1 variant allele.

GeneDx
Classification: Pathogenic. Last evaluated: 2023-06-27. Review status: criteria provided, single submitter. Criteria: GeneDx Variant Classification Process June 2021. Collection method: clinical testing. Allele origin: germline. Affected: yes.
Comment: Frameshift variant predicted to result in protein truncation or nonsense mediated decay in a gene for which loss of function is a known mechanism of disease; Reported in association with HCM (Waldmller et al., 2003; Walsh et al., 2017; Norrish et al., 2019); Not observed at significant frequency in large population cohorts (gnomAD); This variant is associated with the following publications: (PMID: 31006259, 19574547, 27532257, 30731207, 12788380)

CHEO Genetics Diagnostic Laboratory, Children's Hospital of Eastern Ontario
Classification: Pathogenic for Cardiomyopathy. Last evaluated: 2023-03-15. Review status: criteria provided, single submitter. Criteria: ACMG Guidelines, 2015. Collection method: clinical testing. Allele origin: germline.

3billion
Classification: Pathogenic for Hypertrophic cardiomyopathy 4. Last evaluated: 2023-02-23. Review status: criteria provided, single submitter. Criteria: ACMG Guidelines, 2015. Collection method: clinical testing. Allele origin: unknown. Affected: yes.
Comment: The variant is observed at an extremely low frequency in the gnomAD v2.1.1 dataset (total allele frequency: <0.001%). This variant was predicted to result in a loss or disruption of normal protein function through nonsense-mediated decay (NMD) or protein truncation. Multiple pathogenic variants are reported downstream of the variant. The variant has been reported at least twice as pathogenic with clinical assertions and evidence for the classification (ClinVar ID: VCV000164118 / PMID: 12788380). Therefore, this variant is classified as Pathogenic according to the recommendation of ACMG/AMP guideline.

Ambry Genetics
Classification: Pathogenic for Cardiovascular phenotype. Last evaluated: 2020-12-02. Review status: criteria provided, single submitter. Criteria: Ambry Variant Classification Scheme 2023. Collection method: clinical testing. Allele origin: germline.
Comment: The c.1357_1358delCC pathogenic mutation, located in coding exon 16 of the MYBPC3 gene, results from a deletion of two nucleotides at positions 1357 to 1358, causing a translational frameshift with a predicted alternate stop codon (p.P453Cfs*21). In a hypertrophic cardiomyopathy (HCM) cohort, this alteration was previously described in two Indian families, who were distantly related by a common founder and exhibited variable expressivity and incomplete penetrance (Waldm&uuml;ller S et al. J Mol Cell Cardiol. 2003;35:623-36). This alteration has also been reported in association with dilated cardiomyopathy (DCM) Daoud H et al. J Mol Diagn, 2019 05;21:437-448). In addition to the clinical data presented in the literature, this alteration is expected to result in loss of function by premature protein truncation or nonsense-mediated mRNA decay. As such, this alteration is interpreted as a disease-causing mutation.

Cambridge Genomics Laboratory, East Genomic Laboratory Hub, NHS Genomic Medicine Service
Classification: Pathogenic for Mitochondrial disease. Last evaluated: 2020-10-06. Review status: criteria provided, single submitter. Criteria: ACGS Best Practice Guidelines for Variant Classification in Rare Disease 2020. Collection method: clinical testing. Allele origin: germline. Affected: yes. Observed: 1 variant allele.

Mayo Clinic Laboratories, Mayo Clinic
Classification: Pathogenic. Last evaluated: 2019-05-05. Review status: criteria provided, single submitter. Criteria: ACMG Guidelines, 2015. Collection method: clinical testing. Allele origin: germline. Observed: 1 variant allele.
Comment: PVS1, PM2, PP1

Laboratory for Molecular Medicine, Mass General Brigham Personalized Medicine
Classification: Pathogenic for Hypertrophic cardiomyopathy. Last evaluated: 2013-03-05. Review status: no assertion criteria provided. Collection method: clinical testing. Allele origin: germline. Inheritance: Autosomal dominant inheritance. Observed: 2 variant alleles. Not counted in ClinVar's aggregate classification.
Comment: proposed classification - variant undergoing re-assessment, contact laboratory

Literature cited by the submitters: PubMed 19574547 (cited by Labcorp Genetics (formerly Invitae), Labcorp); PubMed 12788380 (cited by 5 submitters); PubMed 27532257 (cited by Labcorp Genetics (formerly Invitae), Labcorp and Mayo Clinic Laboratories, Mayo Clinic); PubMed 30731207 (cited by Ambry Genetics).

NM_000256.3(MYBPC3):c.1357_1358del (p.Pro453fs)

Gene: MYBPC3 (myosin binding protein C3; minus strand). Cytogenetic location: 11p11.2.
Variant type: Deletion.
Coding change: c.1357_1358del on transcript NM_000256.3 (MANE Select); coding-DNA positions 1357 to 1358, 2 bases deleted (CC; older notation c.1357_1358delCC).
Protein change: p.Pro453fs; shifts the reading frame from proline 453.
Molecular consequence: frameshift variant.
Genome position (GRCh38, 1-based): chr11:47,342,929-47,342,930, GG deleted on the plus strand (CC on the coding strand, the reverse complement: MYBPC3 is on the minus strand); deleting any 2 consecutive bases within chr11:47,342,929-47,342,933 gives the same sequence; the c. name uses the placement nearest the transcript's 3' end. VCF-style (leftmost placement, unchanged base first): chr11-47342928-AGG-A. GRCh37 (hg19) VCF-style: chr11-47364479-AGG-A.
Other names: c.1357_1358del, p.Pro453fs (LRG_386t1); c.1357_1358delCC (NM_000256.3); short protein forms P453fs.
Identifiers: ClinVar variation 164118 (VCV000164118.26), dbSNP rs727503203, ClinGen allele CA010169.
Genomic context (GRCh38, chr11:47,342,928, plus strand): 5'-AAACTCCACCCGCTGCCCCACCATCACCAGCTGGTCCTCCAAGGGGCGCGTGATGAGCAC[AGG>A]GGGCTCTGTCCAGGCAGGGTGAGCATGAGGGTTGGCTCCCCTGAGGCCATCTCCTCCCCA-3'